The following is an entry in ClinVar:

NM_000038.6(APC):c.3532G>T (p.Asp1178Tyr)

Gene: APC (APC regulator of Wnt signaling pathway; plus strand). Cytogenetic location: 5q22.2.
Variant type: single nucleotide variant.
Coding change: c.3532G>T on transcript NM_000038.6 (MANE Select); coding-DNA position 3532, G replaced by T.
Protein change: p.Asp1178Tyr; replaces aspartic acid 1178 with tyrosine.
Molecular consequence: missense variant. On other transcripts: non-coding transcript variant (2).
Genome position (GRCh38, 1-based): chr5:112,839,126, G>T. VCF-style: chr5-112839126-G-T. GRCh37 (hg19) VCF-style: chr5-112174823-G-T.
Other names: c.3478G>T, p.Asp1160Tyr (NM_001127511.3); c.3532G>T, p.Asp1178Tyr (NM_001354895.2, NM_001127510.3, NM_001407450.1); c.3586G>T, p.Asp1196Tyr (NM_001354896.2, NM_001407447.1, NM_001407448.1 and 1 more transcripts); c.3562G>T, p.Asp1188Tyr (NM_001354897.2); c.3448G>T, p.Asp1150Tyr (NM_001354899.2); c.3355G>T, p.Asp1119Tyr (NM_001354901.2, NM_001407453.1); c.3259G>T, p.Asp1087Tyr (NM_001354902.2); c.3409G>T, p.Asp1137Tyr (NM_001354900.2); and 11 more; short protein forms D1052Y, D1188Y, D895Y, D1049Y, D1119Y, D1150Y, D1160Y, D1171Y.
Identifiers: ClinVar variation 2818937 (VCV002818937.3), dbSNP rs2149893795, ClinGen allele CA16029093.

ClinVar aggregate classification (germline): Uncertain significance (1 of 4 stars; one submission).

Conditions:
Familial adenomatous polyposis 1 (FAP1). Also called: FAMILIAL ADENOMATOUS POLYPOSIS 1, ATTENUATED; POLYPOSIS, ADENOMATOUS INTESTINAL. Identifiers: MedGen C2713442, MONDO:0021056, OMIM 175100. Disease mechanism: loss of function.

Submission:

Labcorp Genetics (formerly Invitae), Labcorp
Classification: Uncertain significance for Familial adenomatous polyposis 1. Last evaluated: 2024-07-24. Review status: criteria provided, single submitter. Criteria: Invitae Variant Classification Sherloc (09022015). Collection method: clinical testing. Allele origin: germline.
Comment: This sequence change replaces aspartic acid, which is acidic and polar, with tyrosine, which is neutral and polar, at codon 1178 of the APC protein (p.Asp1178Tyr). This variant is not present in population databases (gnomAD no frequency). This variant has not been reported in the literature in individuals affected with APC-related conditions. Advanced modeling of protein sequence and biophysical properties (such as structural, functional, and spatial information, amino acid conservation, physicochemical variation, residue mobility, and thermodynamic stability) performed at Invitae indicates that this missense variant is not expected to disrupt APC protein function with a negative predictive value of 95%. In summary, the available evidence is currently insufficient to determine the role of this variant in disease. Therefore, it has been classified as a Variant of Uncertain Significance.